The following is an entry in ClinVar:

ClinVar aggregate classification (germline): Uncertain significance (1 of 4 stars; one submission).

Conditions:
Biotin-responsive basal ganglia disease (BTBGD). Also called: Thiamine Transporter-2 Deficiency; THIAMINE METABOLISM DYSFUNCTION SYNDROME 2 (BIOTIN- AND THIAMINE-RESPONSIVE TYPE); Thiamine metabolism dysfunction syndrome type 2; Thiamine metabolism dysfunction syndrome 2 (biotin- or thiamine-responsive encephalopathy type 2); thiamine-responsive encephalopathy. Identifiers: Orphanet 199348, Orphanet 65284, MedGen C1843807, MONDO:0011841, OMIM 607483.

Submission:

Labcorp Genetics (formerly Invitae), Labcorp
Classification: Uncertain significance for Biotin-responsive basal ganglia disease. Last evaluated: 2024-01-15. Review status: criteria provided, single submitter. Criteria: Invitae Variant Classification Sherloc (09022015). Collection method: clinical testing. Allele origin: germline.
Comment: This sequence change replaces serine, which is neutral and polar, with arginine, which is basic and polar, at codon 132 of the SLC19A3 protein (p.Ser132Arg). This variant is not present in population databases (gnomAD no frequency). This variant has not been reported in the literature in individuals affected with SLC19A3-related conditions. ClinVar contains an entry for this variant (Variation ID: 1002719). Advanced modeling of protein sequence and biophysical properties (such as structural, functional, and spatial information, amino acid conservation, physicochemical variation, residue mobility, and thermodynamic stability) has been performed at Invitae for this missense variant, however the output from this modeling did not meet the statistical confidence thresholds required to predict the impact of this variant on SLC19A3 protein function. In summary, the available evidence is currently insufficient to determine the role of this variant in disease. Therefore, it has been classified as a Variant of Uncertain Significance.

NM_025243.4(SLC19A3):c.396C>A (p.Ser132Arg)

Gene: SLC19A3 (solute carrier family 19 member 3; minus strand). Cytogenetic location: 2q36.3.
Variant type: single nucleotide variant.
Coding change: c.396C>A on transcript NM_025243.4 (MANE Select); coding-DNA position 396, C replaced by A.
Protein change: p.Ser132Arg; replaces serine 132 with arginine.
Molecular consequence: missense variant.
Genome position (GRCh38, 1-based): chr2:227,699,319, G>T on the plus strand (C>A on the coding strand, the complement: SLC19A3 is on the minus strand). VCF-style: chr2-227699319-G-T. GRCh37 (hg19) VCF-style: chr2-228564035-G-T.
Other names: c.396C>A, p.Ser132Arg (NM_001371411.1, NM_001371412.1); c.384C>A, p.Ser128Arg (NM_001371413.1, NM_001371414.1); short protein forms S128R, S132R.
Identifiers: ClinVar variation 1002719 (VCV001002719.9), dbSNP rs1695578483, ClinGen allele CA350877304.
Genomic context (GRCh38, chr2:227,699,319, plus strand): 5'-TGTGTAGGCGGCCAGCGTGACGCTCCTGCAGTAGCCGCTCACTCTCTGGTAGTGCTCGGG[G>T]CTGACCACGCTGTATATGTAGGCGTAGTAGGCCACCTCGGCGGCGGTGACCATCCCATAG-3'
Protein context (NP_079519.1, residues 122-142): AYYAYIYSVV[Ser132Arg]PEHYQRVSGY